The following is an entry in ClinVar:

NM_001042492.3(NF1):c.1263del (p.Ala422fs)

Gene: NF1 (neurofibromin 1; plus strand). Cytogenetic location: 17q11.2.
Variant type: Deletion.
Coding change: c.1263del on transcript NM_001042492.3 (MANE Select); coding-DNA position 1263, one base deleted (C; older notation c.1263delC).
Protein change: p.Ala422fs; shifts the reading frame from alanine 422.
Molecular consequence: frameshift variant.
Genome position (GRCh38, 1-based): chr17:31,206,242, C deleted; the last of 2 consecutive C bases (chr17:31,206,241-31,206,242); deleting either gives the same sequence. VCF-style (leftmost placement, unchanged base first): chr17-31206240-TC-T. GRCh37 (hg19) VCF-style: chr17-29533258-TC-T.
Other names: c.1263del, p.Ala422fs (NM_000267.4, NM_001128147.3); short protein forms A422fs.
Identifiers: ClinVar variation 4860896 (VCV004860896.1).

ClinVar aggregate classification (germline): Pathogenic (1 of 4 stars; one submission).

Conditions:
Cardiovascular phenotype. Identifiers: MedGen CN230736.
Hereditary cancer-predisposing syndrome. Also called: Neoplastic Syndromes, Hereditary; Tumor predisposition; Hereditary Cancer Syndrome; Hereditary neoplastic syndrome. Identifiers: Orphanet 140162, MedGen C0027672, MeSH D009386, MONDO:0015356.

Submission:

Ambry Genetics
Classification: Pathogenic for Cardiovascular phenotype; Hereditary cancer-predisposing syndrome. Last evaluated: 2026-04-01. Review status: criteria provided, single submitter. Criteria: Ambry Variant Classification Scheme 2023. Collection method: clinical testing. Allele origin: germline.
Comment: The c.1263delC pathogenic mutation, located in coding exon 12 of the NF1 gene, results from a deletion of one nucleotide at nucleotide position 1263, causing a translational frameshift with a predicted alternate stop codon (p.A422Hfs*51). This variant was reported in individual(s) with features consistent with neurofibromatosis type 1 (NF1) (Ambry internal data). This variant is considered to be rare based on population cohorts in the Genome Aggregation Database (gnomAD). This alteration is expected to result in loss of function by premature protein truncation or nonsense-mediated mRNA decay. As such, this alteration is interpreted as a disease-causing mutation.